The following is an entry in ClinVar:

NM_001165963.4(SCN1A):c.965-5A>G

Gene: SCN1A (sodium voltage-gated channel alpha subunit 1; minus strand). Cytogenetic location: 2q24.3.
Variant type: single nucleotide variant.
Coding change: c.965-5A>G on transcript NM_001165963.4 (MANE Select); 5 bases into the intron before coding-DNA position 965, A replaced by G.
Molecular consequence: intron variant.
Genome position (GRCh38, 1-based): chr2:166,048,954, T>C on the plus strand (A>G on the coding strand, the complement: SCN1A is on the minus strand). VCF-style: chr2-166048954-T-C. GRCh37 (hg19) VCF-style: chr2-166905464-T-C.
Other names: c.965-5A>G (NM_001353949.2, NM_001353958.2, NM_001353950.2 and 10 more transcripts); c.-1461-5A>G (NM_001353961.2).
Identifiers: ClinVar variation 1023377 (VCV001023377.7), dbSNP rs1698198046, ClinGen allele CA1304863917.

ClinVar aggregate classification (germline): Pathogenic (1 of 4 stars; one submission).

Conditions:
Early-infantile DEE. Also called: Ohtahara syndrome; Early infantile epileptic encephalopathy; Early infantile epileptic encephalopathy with suppression bursts. Identifiers: Orphanet 1934, MedGen C0393706, MONDO:0800491.

Submission:

Labcorp Genetics (formerly Invitae), Labcorp
Classification: Pathogenic for Early-infantile DEE. Last evaluated: 2023-10-03. Review status: criteria provided, single submitter. Criteria: Invitae Variant Classification Sherloc (09022015). Collection method: clinical testing. Allele origin: germline.
Comment: This sequence change falls in intron 6 of the SCN1A gene. It does not directly change the encoded amino acid sequence of the SCN1A protein. This variant is not present in population databases (gnomAD no frequency). This variant has been observed in individual(s) with clinical features of SCN1A-related conditions (Invitae). In at least one individual the variant was observed to be de novo. ClinVar contains an entry for this variant (Variation ID: 1023377). Algorithms developed to predict the effect of sequence changes on RNA splicing suggest that this variant may disrupt the consensus splice site. For these reasons, this variant has been classified as Pathogenic.